The following is an entry in ClinVar:

NM_000350.3(ABCA4):c.618C>G (p.Ser206Arg)

Gene: ABCA4 (ATP binding cassette subfamily A member 4; minus strand). Cytogenetic location: 1p22.1.
Variant type: single nucleotide variant.
Coding change: c.618C>G on transcript NM_000350.3 (MANE Select); coding-DNA position 618, C replaced by G.
Protein change: p.Ser206Arg; replaces serine 206 with arginine.
Molecular consequence: missense variant.
Genome position (GRCh38, 1-based): chr1:94,098,944, G>C on the plus strand (C>G on the coding strand, the complement: ABCA4 is on the minus strand). VCF-style: chr1-94098944-G-C. GRCh37 (hg19) VCF-style: chr1-94564500-G-C.
Other names: c.618C>G, p.Ser206Arg (NM_001425324.1); short protein forms S206R.
Identifiers: ClinVar variation 99434 (VCV000099434.39), dbSNP rs61748536, ClinGen allele CA227374.

ClinVar aggregate classification (germline): Conflicting classifications of pathogenicity. Review status: criteria provided, conflicting classifications (1 of 4 stars). 11 submissions from 11 submitters: Pathogenic (1); Uncertain significance (6); Benign (2); Likely benign (1). 1 of the submissions does not count toward it. Last evaluated 2026-03-25.

Conditions:
ABCA4-related disorder. Also called: ABCA4-related condition; ABCA4-related disorders. Identifiers: MedGen CN239167.
Cone-rod dystrophy 3 (CORD3). Identifiers: Orphanet 1872, MedGen C1858806, MONDO:0011395, OMIM 604116.
Retinitis pigmentosa 19 (RP19). Also called: ABCA4-Related Retinitis Pigmentosa. Identifiers: Orphanet 791, MedGen C1866422, MONDO:0011137, OMIM 601718.
Severe early-childhood-onset retinal dystrophy (STGD1). Also called: MACULAR DYSTROPHY WITH FLECKS, TYPE 1; STGD; Stargardt disease 1; Stargardt macular dystrophy; Juvenile onset macular degeneration. Identifiers: Orphanet 364055, Orphanet 827, MedGen C1855465, MeSH D000080362, MONDO:0009549, OMIM 248200.
Retinal disorder. Also called: Retinopathy; Retinopathies; Retinal Diseases; Retinal disorders. Identifiers: MedGen C0035309, MONDO:0005283, HP:0000488.

Allele frequency attached by ClinVar (database versions not stated): 1000 Genomes Project 30x 0.00359; TOPMed 0.00491; 1000 Genomes Project 0.00359.
gnomAD v4.1: 1,389 of 1,612,628 alleles (0.086%); highest among the groups gnomAD compares: African/African-American, 1.7%; 10 homozygotes.

Submissions (11):

PreventionGenetics, part of Exact Sciences
Classification: Uncertain significance for ABCA4-related condition. Last evaluated: 2026-03-25. Review status: criteria provided, single submitter. Criteria: ACMG Guidelines, 2015. Collection method: clinical testing. Allele origin: germline.
Comment: The ABCA4 c.618C>G variant is predicted to result in the amino acid substitution p.Ser206Arg. This variant has been reported along with a second ABCA4 variant in individuals with retinal disease (see, for example, Birch et al. 2001. PubMed ID: 11846518; Table S1, Lin et al. 2024. PubMed ID: 38219857; Table S10, Khan et al. 2020. PubMed ID: 32307445; Table S2, Zhu et al. 2022. PubMed ID: 35456422; Table S1, Schindler et al. 2010. PubMed ID: 20647261; Table S1, Weisschuh et al. 2020. PubMed ID: 32531858). However, this variant has also been reported as an additional allele in an individual with retinal disease explained by variants in the RDH12 gene (Eisenberger et al. 2013. PubMed ID: 24265693). Functional studies have shown that the p.Ser206Arg substitution decreases protein activity (Sun et al. 2000. PubMed ID: 11017087). This variant is reported in 1.5% of alleles in individuals of African descent in gnomAD, including 10 homozygous individuals in the v4.1.0 dataset. This variant has conflicting classifications in ClinVar ranging from pathogenic to benign (Variation ID: 99434). Given the conflicting evidence at this time, the clinical significance of this variant is uncertain.

Genetics Laboratory, Great Ormond Street Hospital NHS Foundation Trust, North Thames Genomic Laboratory Hub
Classification: Uncertain significance for Retinal disorders. Last evaluated: 2026-02-09. Review status: criteria provided, single submitter. Criteria: ACGS Best Practice Guidelines for Variant Classification in Rare Disease 2024 v1.2. Collection method: clinical testing. Allele origin: germline. Affected: yes.
Comment: PP3_supporting, PS3_supporting, PM3_moderate

Labcorp Genetics (formerly Invitae), Labcorp
Classification: Benign. Last evaluated: 2025-12-24. Review status: criteria provided, single submitter. Criteria: Invitae Variant Classification Sherloc (09022015). Collection method: clinical testing. Allele origin: germline.

GeneDx
Classification: Pathogenic. Last evaluated: 2025-08-29. Review status: criteria provided, single submitter. Criteria: GeneDx Variant Classification Process June 2021. Collection method: clinical testing. Allele origin: germline. Affected: yes.
Comment: Variant has also been observed in individuals with retinal dystrophy who had other disease-causing ABCA4 variants or variants in another gene that may have also contributed to the phenotype (PMID: 10206579, 24265693); Published functional studies demonstrate a damaging effect with reduced ATPase activity compared to wild type (PMID: 11017087); In silico analysis suggests that this missense variant does not alter protein structure/function; This variant is associated with the following publications: (PMID: 22995991, 24265693, 17982420, 20647261, 32531858, 35456422, 36284670, 11017087, 10206579, 11328725, 11846518, 32307445, 35120629, 38219857)

Blueprint Genetics
Classification: Likely benign. Last evaluated: 2024-10-18. Review status: criteria provided, single submitter. Criteria: ACMG Guidelines, 2015. Collection method: clinical testing. Allele origin: germline.

Department of Pathology and Laboratory Medicine, Sinai Health System
Classification: Uncertain significance for Severe early-childhood-onset retinal dystrophy; Retinitis pigmentosa 19; Cone-rod dystrophy 3. Last evaluated: 2023-08-14. Review status: criteria provided, single submitter. Criteria: ACMG Guidelines, 2015. Collection method: research. Allele origin: germline.

Women's Health and Genetics/Laboratory Corporation of America, LabCorp
Classification: Uncertain significance. Last evaluated: 2023-05-12. Review status: criteria provided, single submitter. Criteria: LabCorp Variant Classification Summary - May 2015. Collection method: clinical testing. Allele origin: germline.
Comment: Variant summary: ABCA4 c.618C>G (p.Ser206Arg) results in a non-conservative amino acid change in the encoded protein sequence. Four of five in-silico tools predict a damaging effect of the variant on protein function. The variant allele was found at a frequency of 0.0014 in 280464 control chromosomes in the gnomAD database, including 1 homozygotes. This frequency near the estimated frequency for a pathogenic variant in ABCA4 causing Retinitis Pigmentosa (0.0014 vs 0.0014). However, the variant is observed at a higher frequency in control chromosomes in the African population (10-fold above the estimated frequency for a pathogenic variant), providing conflicting evidence about variant significance. c.618C>G has been reported in the literature in individuals affected with Retinitis Pigmentosa, Stargardt disease, and other inherited retinal disorders (examples: Fishman_1999, Birch_2001, Webster_2001, Weisschuh_2020, Eisenberger_2013, Zhu_2022) both in the absence and presence of second variants with a range of pathogenicity, many with unknown pathogenicity. These data do not allow any conclusion about variant significance. In experimental studies, the variant was reported to have reduced basal ATPase activity and little stimulation by retinal (Sun_2000). The following publications have been ascertained in the context of this evaluation (PMID: 11846518, 10206579, 11328725, 32531858, 11017087, 24265693, 36284670). Six clinical diagnostic laboratories have submitted clinical-significance assessments for this variant to ClinVar after 2014 without evidence for independent evaluation. Multiple laboratories reported the variant with conflicting assessments (pathogenic (n=1), VUS (n=3), benign (n=2)). Based on the evidence outlined above, the variant was classified as uncertain significance.

Mendelics
Classification: Uncertain significance for Severe early-childhood-onset retinal dystrophy. Last evaluated: 2019-05-28. Review status: criteria provided, single submitter. Criteria: Mendelics Assertion Criteria 2017. Collection method: clinical testing. Allele origin: unknown.

Illumina Laboratory Services, Illumina
Classification: Uncertain significance for ABCA4-Related Disorders. Last evaluated: 2018-01-12. Review status: criteria provided, single submitter. Criteria: ICSL Variant Classification Criteria 13 December 2019. Collection method: clinical testing. Allele origin: germline.

Eurofins Ntd Llc (ga)
Classification: Benign. Last evaluated: 2016-04-19. Review status: criteria provided, single submitter. Criteria: EGL Classification Definitions 2015. Collection method: clinical testing. Allele origin: germline. Observed: 1 variant allele, 1 heterozygote.

Retina International
No classification provided. Review status: no classification provided. Collection method: not provided. Allele origin: not provided. Not counted in ClinVar's aggregate classification.

Literature cited by the submitters: PubMed 24265693 (cited by Women's Health and Genetics/Laboratory Corporation of America, LabCorp); PubMed 32531858 (cited by Women's Health and Genetics/Laboratory Corporation of America, LabCorp); PubMed 11017087 (cited by Women's Health and Genetics/Laboratory Corporation of America, LabCorp); PubMed 11328725 (cited by Women's Health and Genetics/Laboratory Corporation of America, LabCorp); PubMed 11846518 (cited by Women's Health and Genetics/Laboratory Corporation of America, LabCorp); PubMed 10206579 (cited by Women's Health and Genetics/Laboratory Corporation of America, LabCorp); PubMed 36284670 (cited by Women's Health and Genetics/Laboratory Corporation of America, LabCorp).